The following is an entry in ClinVar:

ClinVar aggregate classification (germline): Uncertain significance (1 of 4 stars; one submission).

Submission:

GeneDx
Classification: Uncertain significance. Last evaluated: 2019-04-18. Review status: criteria provided, single submitter. Criteria: GeneDx Variant Classification Process June 2021. Collection method: clinical testing. Allele origin: germline. Affected: yes.
Comment: Not observed in large population cohorts (Lek et al., 2016); Frameshift variant predicted to result in protein truncation as the last 253 amino acids are lost and replaced with 69 incorrect amino acids, although loss-of-function variants have not been reported downstream of this position in the protein; Has not been previously published as pathogenic or benign to our knowledge

NM_024496.4(IRF2BPL):c.1631_1632del (p.Arg544fs)

Gene: IRF2BPL (interferon regulatory factor 2 binding protein like; minus strand). Cytogenetic location: 14q24.3.
Variant type: Microsatellite.
Coding change: c.1631_1632del on transcript NM_024496.4 (MANE Select); coding-DNA positions 1631 to 1632, 2 bases deleted (GA; older notation c.1631_1632delGA).
Protein change: p.Arg544fs; shifts the reading frame from arginine 544.
Molecular consequence: frameshift variant.
Genome position (GRCh38, 1-based): chr14:77,026,161-77,026,162, TC deleted on the plus strand (GA on the coding strand, the reverse complement: IRF2BPL is on the minus strand); deleting any 2 consecutive bases within chr14:77,026,161-77,026,165 gives the same sequence; the c. name uses the placement nearest the transcript's 3' end. VCF-style (leftmost placement, unchanged base first): chr14-77026160-TTC-T. GRCh37 (hg19) VCF-style: chr14-77492503-TTC-T.
Other names: short protein forms R544fs.
Identifiers: ClinVar variation 1305274 (VCV001305274.2), dbSNP rs2140377473, ClinGen allele CA2580613732.